The following is an entry in ClinVar:

ClinVar aggregate classification (germline): Likely benign. Review status: criteria provided, multiple submitters, no conflicts (2 of 4 stars). 2 submissions from 2 submitters: Likely benign (2). Last evaluated 2025-06-19.

Conditions:
Tuberous sclerosis 2 (TSC2). Identifiers: Orphanet 805, MedGen C1860707, MONDO:0013199, OMIM 613254.

gnomAD v4.1: 1 of 1,611,424 alleles (0.000062%); highest among the groups gnomAD compares: Non-Finnish European, 0.000085%; no homozygotes.

Submissions (2):

Labcorp Genetics (formerly Invitae), Labcorp
Classification: Likely benign for Tuberous sclerosis 2. Last evaluated: 2025-06-19. Review status: criteria provided, single submitter. Criteria: Invitae Variant Classification Sherloc (09022015). Collection method: clinical testing. Allele origin: germline.

Myriad Genetics, Inc.
Classification: Likely benign for Tuberous sclerosis 2. Last evaluated: 2025-06-04. Review status: criteria provided, single submitter. Criteria: Myriad Autosomal Dominant, Autosomal Recessive and X-Linked Classification Criteria (2023). Collection method: clinical testing. Allele origin: unknown.
Comment: This variant is considered likely benign. This variant is intronic and is not expected to impact mRNA splicing.

NM_000548.5(TSC2):c.4663-19C>T

Gene: TSC2 (TSC complex subunit 2; plus strand). Cytogenetic location: 16p13.3.
Variant type: single nucleotide variant.
Coding change: c.4663-19C>T on transcript NM_000548.5 (MANE Select); 19 bases into the intron before coding-DNA position 4663, C replaced by T.
Molecular consequence: intron variant.
Genome position (GRCh38, 1-based): chr16:2,086,174, C>T. VCF-style: chr16-2086174-C-T. GRCh37 (hg19) VCF-style: chr16-2136175-C-T.
Other names: c.4594-19C>T (NM_001114382.3); c.4534-19C>T (NM_021055.3, NM_001370405.1); c.4465-19C>T (NM_001363528.2); c.4531-19C>T (NM_001370404.1); c.4462-19C>T (NM_001077183.3); c.4354-19C>T (NM_001318827.2); c.3931-19C>T (NM_001318831.2); c.4318-19C>T (NM_001318829.2); and 1 more.
Identifiers: ClinVar variation 1596002 (VCV001596002.9), dbSNP rs2090761236, ClinGen allele CA2202022085.